The following is an entry in ClinVar:

NM_205850.3(SLC24A5):c.493del (p.Ser165fs)

Genes: MYEF2 (myelin expression factor 2; minus strand), SLC24A5 (solute carrier family 24 member 5; plus strand). Cytogenetic location: 15q21.1.
Variant type: Deletion.
Coding change: c.493del on transcript NM_205850.3 (MANE Select); coding-DNA position 493, one base deleted (T; older notation c.493delT).
Protein change: p.Ser165fs; shifts the reading frame from serine 165.
Molecular consequence: frameshift variant. On other transcripts: 3 prime UTR variant (2).
Genome position (GRCh38, 1-based): chr15:48,134,887, T deleted. VCF-style (leftmost placement, unchanged base first): chr15-48134886-CT-C. GRCh37 (hg19) VCF-style: chr15-48427083-CT-C.
Other names: c.*8021del (NM_001301210.2, NM_016132.5); short protein forms S165fs.
Identifiers: ClinVar variation 817885 (VCV000817885.1), dbSNP rs1597259095, ClinGen allele CA915946614.

ClinVar aggregate classification (germline): Pathogenic (1 of 4 stars; one submission).

Submission:

GeneDx
Classification: Pathogenic. Last evaluated: 2018-11-07. Review status: criteria provided, single submitter. Criteria: GeneDx Variant Classification (06012015). Collection method: clinical testing. Allele origin: germline. Affected: yes.
Comment: The c.493delT variant in the SLC24A5 gene has not been reported previously as a pathogenic variant nor as a benign variant, to our knowledge. The c.493delT variant causes a frameshift starting with codon Serine 165, changes this amino acid to a Glutamine residue, and creates a premature Stop codon at position 25 of the new reading frame, denoted p.Ser165GlnfsX25. This variant is predicted to cause loss of normal protein function either through protein truncation or nonsense-mediated mRNA decay. The c.493delT variant is not observed in large population cohorts (Lek et al., 2016). We interpret c.493delT as a pathogenic variant.